The following is an entry in ClinVar:

NM_182914.3(SYNE2):c.8257T>C (p.Ser2753Pro)

Gene: SYNE2 (spectrin repeat containing nuclear envelope protein 2; plus strand). Cytogenetic location: 14q23.2.
Variant type: single nucleotide variant.
Coding change: c.8257T>C on transcript NM_182914.3 (MANE Select); coding-DNA position 8257, T replaced by C.
Protein change: p.Ser2753Pro; replaces serine 2753 with proline.
Molecular consequence: missense variant.
Genome position (GRCh38, 1-based): chr14:64,052,170, T>C. VCF-style: chr14-64052170-T-C. GRCh37 (hg19) VCF-style: chr14-64518888-T-C.
Other names: c.8257T>C, p.Ser2753Pro (NM_015180.6); short protein forms S2753P.
Identifiers: ClinVar variation 1010937 (VCV001010937.8), dbSNP rs1214897374, ClinGen allele CA389965749.
Genomic context (GRCh38, chr14:64,052,170, plus strand): 5'-AGGAACAAGATGAAAGAGACTATCTTATGGGCCAAGAATTTGTTGGGTGAACTTAATCCC[T>C]CCATTCCCCTTCTCCCAGATGACATTCTTTCACAGATCAGAAAGTGCAAAGTGACACATG-3'
Protein context (NP_878918.2, residues 2743-2763): AKNLLGELNP[Ser2753Pro]IPLLPDDILS

ClinVar aggregate classification (germline): Uncertain significance (1 of 4 stars; one submission).

Conditions:
Emery-Dreifuss muscular dystrophy 5, autosomal dominant (EDMD5). Also called: EMERY-DREIFUSS MUSCULAR DYSTROPHY 5. Identifiers: Orphanet 261, MedGen C2751805, MONDO:0013072, OMIM 612999.

Allele frequency attached by ClinVar (database versions not stated): gnomAD exomes below 0.00001; TOPMed below 0.00001.
gnomAD v4.1: 2 of 1,614,166 alleles (0.00012%); highest among the groups gnomAD compares: South Asian, 0.0022%; no homozygotes.

Submission:

Labcorp Genetics (formerly Invitae), Labcorp
Classification: Uncertain significance for Emery-Dreifuss muscular dystrophy 5, autosomal dominant. Last evaluated: 2020-07-12. Review status: criteria provided, single submitter. Criteria: Invitae Variant Classification Sherloc (09022015). Collection method: clinical testing. Allele origin: germline.
Comment: In summary, the available evidence is currently insufficient to determine the role of this variant in disease. Therefore, it has been classified as a Variant of Uncertain Significance. Algorithms developed to predict the effect of missense changes on protein structure and function output the following: SIFT: "Tolerated"; PolyPhen-2: "Benign"; Align-GVGD: "Class C0". The proline amino acid residue is found in multiple mammalian species, suggesting that this missense change does not adversely affect protein function. These predictions have not been confirmed by published functional studies and their clinical significance is uncertain. This variant has not been reported in the literature in individuals with SYNE2-related conditions. This variant is not present in population databases (ExAC no frequency). This sequence change replaces serine with proline at codon 2753 of the SYNE2 protein (p.Ser2753Pro). The serine residue is weakly conserved and there is a moderate physicochemical difference between serine and proline.